The following is an entry in ClinVar:

NM_001111125.3(IQSEC2):c.2833G>A (p.Asp945Asn)

Gene: IQSEC2 (IQ motif and Sec7 domain ArfGEF 2; minus strand). Cytogenetic location: Xp11.22.
Variant type: single nucleotide variant.
Coding change: c.2833G>A on transcript NM_001111125.3 (MANE Select); coding-DNA position 2833, G replaced by A.
Protein change: p.Asp945Asn; replaces aspartic acid 945 with asparagine.
Molecular consequence: missense variant.
Genome position (GRCh38, 1-based): chrX:53,243,388, C>T on the plus strand (G>A on the coding strand, the complement: IQSEC2 is on the minus strand). VCF-style: chrX-53243388-C-T. GRCh37 (hg19) VCF-style: chrX-53272570-C-T.
Other names: c.2833G>A, p.Asp945Asn (NM_001410736.1); c.2218G>A, p.Asp740Asn (NM_015075.2); short protein forms D740N, D945N.
Identifiers: ClinVar variation 1805961 (VCV001805961.1), dbSNP rs781977015, ClinGen allele CA10419886.

ClinVar aggregate classification (germline): Uncertain significance (1 of 4 stars; one submission).

Conditions:
Intellectual developmental disorder, X-linked 1. Also called: MENTAL RETARDATION, X-LINKED 18; MENTAL RETARDATION, X-LINKED 78; Atkin Flaitz Patil Smith syndrome; Intellectual disability, X-linked 1. Identifiers: Orphanet 777, MedGen C2931498, MONDO:0010656, OMIM 309530.

Allele frequency attached by ClinVar (database versions not stated): ExAC 0.00006; gnomAD exomes below 0.00001.
gnomAD v4.1: 1 of 1,167,951 alleles (0.000086%); highest among the groups gnomAD compares: South Asian, 0.0019%; no homozygotes.

Submission:

Victorian Clinical Genetics Services, Murdoch Childrens Research Institute
Classification: Uncertain significance for Intellectual developmental disorder, X-linked 1. Last evaluated: 2022-09-02. Review status: criteria provided, single submitter. Criteria: ACMG Guidelines, 2015. Collection method: clinical testing. Allele origin: germline. Inheritance: X-linked dominant inheritance. Affected: yes.
Comment: Based on the classification scheme VCGS_Germline_v1.3.4, this variant is classified as VUS-3B. Following criteria are met: 0102 - Loss of function is a known mechanism of disease in this gene and is associated with X-linked intellectual developmental disorder 1 (MIM#309530). (I) 0110 - This gene is associated with X-linked disease. Males present with a severe early-onset condition, whereas females can be asymptomatic carriers, or be symptomatic and milder with a later onset (PMID: 30206421). (I) 0200 - Variant is predicted to result in a missense amino acid change from aspartic acid to asparagine. (I) 0253 - This variant is hemizygous. (I) 0302 - Variant is present in gnomAD (v2) <0.001 for a dominant condition (1 heterozygote, 0 homozygotes, 0 hemizygotes). (SP) 0502 - Missense variant with conflicting in silico predictions and uninformative conservation. (I) 0604 - Variant is not located in an established domain, motif, hotspot or informative constraint region. (I) 0705 - No comparable missense variants have previous evidence for pathogenicity. (I) 0807 - This variant has no previous evidence of pathogenicity. (I) 0905 - No published segregation evidence has been identified for this variant. (I) 1007 - No published functional evidence has been identified for this variant. (I) Legend: (SP) - Supporting pathogenic, (I) - Information, (SB) - Supporting benign

Literature cited by the submitters: PubMed 30206421.